The following is an entry in ClinVar:

ClinVar aggregate classification (germline): Uncertain significance (1 of 4 stars; one submission).

Conditions:
Fanconi anemia (FA). Also called: Fanconi's anemia. Identifiers: Orphanet 84, MedGen C0015625, MeSH D005199, MONDO:0019391.

Submission:

Labcorp Genetics (formerly Invitae), Labcorp
Classification: Uncertain significance for Fanconi anemia. Last evaluated: 2023-11-28. Review status: criteria provided, single submitter. Criteria: Invitae Variant Classification Sherloc (09022015). Collection method: clinical testing. Allele origin: germline.
Comment: This sequence change replaces leucine, which is neutral and non-polar, with proline, which is neutral and non-polar, at codon 676 of the SLX4 protein (p.Leu676Pro). This variant is not present in population databases (gnomAD no frequency). This variant has not been reported in the literature in individuals affected with SLX4-related conditions. An algorithm developed to predict the effect of missense changes on protein structure and function (PolyPhen-2) suggests that this variant is likely to be disruptive. In summary, the available evidence is currently insufficient to determine the role of this variant in disease. Therefore, it has been classified as a Variant of Uncertain Significance.

NM_032444.4(SLX4):c.2027T>C (p.Leu676Pro)

Gene: SLX4 (SLX4 structure-specific endonuclease subunit; minus strand). Cytogenetic location: 16p13.3.
Variant type: single nucleotide variant.
Coding change: c.2027T>C on transcript NM_032444.4 (MANE Select); coding-DNA position 2027, T replaced by C.
Protein change: p.Leu676Pro; replaces leucine 676 with proline.
Molecular consequence: missense variant.
Genome position (GRCh38, 1-based): chr16:3,594,586, A>G on the plus strand (T>C on the coding strand, the complement: SLX4 is on the minus strand). VCF-style: chr16-3594586-A-G. GRCh37 (hg19) VCF-style: chr16-3644587-A-G.
Other names: short protein forms L676P.
Identifiers: ClinVar variation 2727938 (VCV002727938.3), dbSNP rs2548216462, ClinGen allele CA394526326.